The following is an entry in ClinVar:

NM_006440.5(TXNRD2):c.19G>A (p.Ala7Thr)

Genes: COMT (catechol-O-methyltransferase; plus strand), TXNRD2 (thioredoxin reductase 2; minus strand). Cytogenetic location: 22q11.21.
Variant type: single nucleotide variant.
Coding change: c.19G>A on transcript NM_006440.5 (MANE Select); coding-DNA position 19, G replaced by A.
Protein change: p.Ala7Thr; replaces alanine 7 with threonine.
Molecular consequence: missense variant. On other transcripts: non-coding transcript variant (1), 5 prime UTR variant (2).
Genome position (GRCh38, 1-based): chr22:19,941,785, C>T on the plus strand (G>A on the coding strand, the complement: TXNRD2 is on the minus strand). VCF-style: chr22-19941785-C-T. GRCh37 (hg19) VCF-style: chr22-19929308-C-T.
Other names: c.19G>A, p.Ala7Thr (NM_001282512.3, NM_001352300.2); c.-204C>T (NM_000754.4); c.-498C>T (NM_001362828.2); short protein forms A7T.
Identifiers: ClinVar variation 3330401 (VCV003330401.1).
Genomic context (GRCh38, chr22:19,941,785, plus strand): 5'-GCACCCCGCCCGCCACGGCCTGCGTCCGCCACCGGAAGCGCCCTCCTAATCCCCGCAGCG[C>T]CACCGCCATTGCCGCCATCGTCGTGGGGCTTCTGGGGCAGCTAGGGCTGCCCGCCGCGCT-3'
Protein context (NP_006431.2, residues 1-17): MAAMAV[Ala7Thr]LRGLGGRFRW

ClinVar aggregate classification (germline): Uncertain significance (1 of 4 stars; one submission).

Conditions:
Cardiovascular phenotype. Identifiers: MedGen CN230736.

gnomAD v4.1: 2 of 1,530,874 alleles (0.00013%); highest among the groups gnomAD compares: Non-Finnish European, 0.00017%; no homozygotes.

Submission:

Ambry Genetics
Classification: Uncertain significance for Cardiovascular phenotype. Last evaluated: 2024-04-28. Review status: criteria provided, single submitter. Criteria: Ambry Variant Classification Scheme 2023. Collection method: clinical testing. Allele origin: germline.
Comment: The p.A7T variant (also known as c.19G>A), located in coding exon 1 of the TXNRD2 gene, results from a G to A substitution at nucleotide position 19. The alanine at codon 7 is replaced by threonine, an amino acid with similar properties. This amino acid position is conserved. In addition, this alteration is predicted to be tolerated by in silico analysis. Based on the available evidence, the clinical significance of this variant remains unclear.